The following is an entry in ClinVar:

ClinVar aggregate classification (germline): Uncertain significance. Review status: criteria provided, multiple submitters, no conflicts (2 of 4 stars). 3 submissions from 3 submitters: Uncertain significance (3). Last evaluated 2025-02-24.

Conditions:
Floating-Harbor syndrome (FLHS). Also called: SRCAP-Related Floating-Harbor Syndrome; Short stature with delayed bone age, expressive language delay, a triangular face with a prominent nose and deep-set eyes; Pelletier-Leisti syndrome. Identifiers: Orphanet 2044, MedGen C0729582, MONDO:0007621, OMIM 136140.
Developmental delay, hypotonia, musculoskeletal defects, and behavioral abnormalities. Identifiers: MedGen C5562012, MONDO:0859202, OMIM 619595.

Allele frequency attached by ClinVar (database versions not stated): gnomAD exomes 0.00003; ExAC 0.00005; 1000 Genomes Project 30x 0.00031; 1000 Genomes Project 0.00040; TOPMed 0.00002.
gnomAD v4.1: 136 of 1,614,156 alleles (0.0084%); highest among the groups gnomAD compares: East Asian, 0.3%; 2 homozygotes.

Submissions (3):

Labcorp Genetics (formerly Invitae), Labcorp
Classification: Uncertain significance. Last evaluated: 2025-02-24. Review status: criteria provided, single submitter. Criteria: Invitae Variant Classification Sherloc (09022015). Collection method: clinical testing. Allele origin: germline.
Comment: This sequence change replaces proline, which is neutral and non-polar, with alanine, which is neutral and non-polar, at codon 131 of the SRCAP protein (p.Pro131Ala). This variant is present in population databases (rs148079550, gnomAD 0.04%). This variant has not been reported in the literature in individuals affected with SRCAP-related conditions. ClinVar contains an entry for this variant (Variation ID: 2637660). Invitae Evidence Modeling of protein sequence and biophysical properties (such as structural, functional, and spatial information, amino acid conservation, physicochemical variation, residue mobility, and thermodynamic stability) indicates that this missense variant is not expected to disrupt SRCAP protein function with a negative predictive value of 80%. In summary, the available evidence is currently insufficient to determine the role of this variant in disease. Therefore, it has been classified as a Variant of Uncertain Significance.

Women's Health and Genetics/Laboratory Corporation of America, LabCorp
Classification: Uncertain significance. Last evaluated: 2023-10-10. Review status: criteria provided, single submitter. Criteria: LabCorp Variant Classification Summary - May 2015. Collection method: clinical testing. Allele origin: germline.
Comment: Variant summary: SRCAP c.391C>G (p.Pro131Ala) results in a non-conservative amino acid change located in the Helicase/SANT-associated domain (IPR014012) of the encoded protein sequence. Four of five in-silico tools predict a benign effect of the variant on protein function. The variant allele was found at a frequency of 2.8e-05 in 249572 control chromosomes (gnomAD). The available data on variant occurrences in the general population are insufficient to allow any conclusion about variant significance. To our knowledge, no occurrence of c.391C>G in individuals affected with Floating-Harbor Syndrome and no experimental evidence demonstrating its impact on protein function have been reported. No submitters have cited clinical-significance assessments for this variant to ClinVar after 2014. Based on the evidence outlined above, the variant was classified as uncertain significance.

Department of Pathology and Laboratory Medicine, Sinai Health System
Classification: Uncertain significance for Floating-Harbor syndrome; Developmental delay, hypotonia, musculoskeletal defects, and behavioral abnormalities. Last evaluated: 2022-06-23. Review status: criteria provided, single submitter. Criteria: ACMG Guidelines, 2015. Collection method: research. Allele origin: germline.

NM_006662.3(SRCAP):c.391C>G (p.Pro131Ala)

Gene: SRCAP (Snf2 related CREBBP activator protein; plus strand). Cytogenetic location: 16p11.2.
Variant type: single nucleotide variant.
Coding change: c.391C>G on transcript NM_006662.3 (MANE Select); coding-DNA position 391, C replaced by G.
Protein change: p.Pro131Ala; replaces proline 131 with alanine.
Molecular consequence: missense variant.
Genome position (GRCh38, 1-based): chr16:30,707,267, C>G. VCF-style: chr16-30707267-C-G. GRCh37 (hg19) VCF-style: chr16-30718588-C-G.
Other names: short protein forms P131A.
Identifiers: ClinVar variation 2637660 (VCV002637660.4), dbSNP rs148079550, ClinGen allele CA8010663.